The following is an entry in ClinVar:

NM_002853.4(RAD1):c.325C>T (p.Arg109Ter)

Genes: TTC23L (tetratricopeptide repeat domain 23 like; plus strand), RAD1 (RAD1 checkpoint DNA exonuclease; minus strand). Cytogenetic location: 5p13.2.
Variant type: single nucleotide variant.
Coding change: c.325C>T on transcript NM_002853.4 (MANE Select); coding-DNA position 325, C replaced by T.
Protein change: p.Arg109Ter; replaces arginine 109 with a stop codon.
Molecular consequence: nonsense. On other transcripts: non-coding transcript variant (1).
Genome position (GRCh38, 1-based): chr5:34,911,795, G>A on the plus strand (C>T on the coding strand, the complement: RAD1 is on the minus strand). VCF-style: chr5-34911795-G-A. GRCh37 (hg19) VCF-style: chr5-34911900-G-A.
Other names: short protein forms R109*.
Identifiers: ClinVar variation 2633652 (VCV002633652.2), dbSNP rs2308956, ClinGen allele CA3227828.
Genomic context (GRCh38, chr5:34,911,795, plus strand): 5'-CCACTCCTCCTTCTTCCAGGAACAGCATCAAAGGGTAACCATAACCTTGGTAACACATTC[G>A]AAGTGCAGTTAAAGTCCCTGCAATGGAAAGAAGTCATACTTGGCCTTAGCTTTATAGTTC-3'

ClinVar aggregate classification (germline): Uncertain significance (1 of 4 stars; one submission).

Conditions:
RAD1-related disorder. Also called: RAD1-related condition.

Allele frequency attached by ClinVar (database versions not stated): 1000 Genomes Project 0.00020; 1000 Genomes Project 30x 0.00031; gnomAD 0.00031; TOPMed 0.00035; ESP Exome Variant Server 0.00054.
gnomAD v4.1: 1,126 of 1,614,112 alleles (0.07%); highest among the groups gnomAD compares: Non-Finnish European, 0.091%; no homozygotes.

Submission:

PreventionGenetics, part of Exact Sciences
Classification: Uncertain significance for RAD1-related condition. Last evaluated: 2025-10-04. Review status: criteria provided, single submitter. Criteria: ACMG Guidelines, 2015. Collection method: clinical testing. Allele origin: germline.
Comment: The RAD1 c.325C>T variant is predicted to result in premature protein termination (p.Arg109*). This variant has been reported as a germline variant in an individual with head and neck carcinoma (Table 2, Cury et al. 2021. PubMed ID: 34598035). This variant is reported in 0.040% of alleles in individuals of African descent in gnomAD. This variant has an interpretation of uncertain significance in ClinVar (Variation ID: 2633652). At this time, the clinical significance of this variant is uncertain due to the absence of conclusive functional and genetic evidence.